The following is an entry in ClinVar:

ClinVar aggregate classification (germline): Conflicting classifications of pathogenicity. Review status: criteria provided, conflicting classifications (1 of 4 stars). 3 submissions from 3 submitters: Uncertain significance (1); Benign (1); Likely benign (1). Last evaluated 2026-01-01.

Conditions:
Emery-Dreifuss muscular dystrophy 5, autosomal dominant (EDMD5). Also called: EMERY-DREIFUSS MUSCULAR DYSTROPHY 5. Identifiers: Orphanet 261, MedGen C2751805, MONDO:0013072, OMIM 612999.

Allele frequency attached by ClinVar (database versions not stated): gnomAD exomes 0.00006 and 0.00017; gnomAD 0.00009; TOPMed 0.00011; 1000 Genomes Project 30x 0.00016; ExAC 0.00016; 1000 Genomes Project 0.00020; ESP Exome Variant Server 0.00031.
gnomAD v4.1: 106 of 1,614,202 alleles (0.0066%); highest among the groups gnomAD compares: Admixed American, 0.015%; no homozygotes.

Submissions (3):

Labcorp Genetics (formerly Invitae), Labcorp
Classification: Likely benign for Emery-Dreifuss muscular dystrophy 5, autosomal dominant. Last evaluated: 2026-01-01. Review status: criteria provided, single submitter. Criteria: Invitae Variant Classification Sherloc (09022015). Collection method: clinical testing. Allele origin: germline.

Ambry Genetics
Classification: Uncertain significance. Last evaluated: 2025-02-22. Review status: criteria provided, single submitter. Criteria: Ambry Variant Classification Scheme 2023. Collection method: clinical testing. Allele origin: germline.

Illumina Laboratory Services, Illumina
Classification: Benign for Emery-Dreifuss muscular dystrophy 5, autosomal dominant. Last evaluated: 2018-01-13. Review status: criteria provided, single submitter. Criteria: ICSL Variant Classification Criteria 13 December 2019. Collection method: clinical testing. Allele origin: germline.
Comment: This variant was observed in the ICSL laboratory as part of a predisposition screen in an ostensibly healthy population. It had not been previously curated by ICSL or reported in the Human Gene Mutation Database (HGMD: prior to June 1st, 2018), and was therefore a candidate for classification through an automated scoring system. Utilizing variant allele frequency, disease prevalence and penetrance estimates, and inheritance mode, an automated score was calculated to assess if this variant is too frequent to cause the disease. Based on the score and internal cut-off values, a variant classified as benign is not then subjected to further curation. The score for this variant resulted in a classification of benign for this disease.

NM_182914.3(SYNE2):c.12931G>A (p.Glu4311Lys)

Gene: SYNE2 (spectrin repeat containing nuclear envelope protein 2; plus strand). Cytogenetic location: 14q23.2.
Variant type: single nucleotide variant.
Coding change: c.12931G>A on transcript NM_182914.3 (MANE Select); coding-DNA position 12931, G replaced by A.
Protein change: p.Glu4311Lys; replaces glutamic acid 4311 with lysine.
Molecular consequence: missense variant.
Genome position (GRCh38, 1-based): chr14:64,119,517, G>A. VCF-style: chr14-64119517-G-A. GRCh37 (hg19) VCF-style: chr14-64586235-G-A.
Other names: c.12931G>A, p.Glu4311Lys (NM_015180.6); short protein forms E4311K.
Identifiers: ClinVar variation 313581 (VCV000313581.13), dbSNP rs142277402, ClinGen allele CA7222286.